The following is an entry in ClinVar:

ClinVar aggregate classification (germline): Uncertain significance (1 of 4 stars; one submission).

Conditions:
Early-onset Lafora body disease. Also called: Epilepsy, progressive myoclonic, 10. Identifiers: Orphanet 324290, MedGen C4225258, MONDO:0014717, OMIM 616640.

Allele frequency attached by ClinVar (database versions not stated): gnomAD exomes below 0.00001 and 0.00001.
gnomAD v4.1: 3 of 1,571,248 alleles (0.00019%); highest among the groups gnomAD compares: Admixed American, 0.0037%; no homozygotes.

Submission:

Labcorp Genetics (formerly Invitae), Labcorp
Classification: Uncertain significance for Early-onset Lafora body disease. Last evaluated: 2021-05-24. Review status: criteria provided, single submitter. Criteria: Invitae Variant Classification Sherloc (09022015). Collection method: clinical testing. Allele origin: germline.
Comment: Algorithms developed to predict the effect of missense changes on protein structure and function are either unavailable or do not agree on the potential impact of this missense change (SIFT: "Deleterious"; PolyPhen-2: "Probably Damaging"; Align-GVGD: "Class C0"). This variant has not been reported in the literature in individuals with PRDM8-related conditions. The frequency data for this variant in the population databases is considered unreliable, as metrics indicate insufficient coverage at this position in the ExAC database. This sequence change replaces glycine with arginine at codon 599 of the PRDM8 protein (p.Gly599Arg). The glycine residue is moderately conserved and there is a moderate physicochemical difference between glycine and arginine. In summary, the available evidence is currently insufficient to determine the role of this variant in disease. Therefore, it has been classified as a Variant of Uncertain Significance.

NM_001099403.2(PRDM8):c.1795G>A (p.Gly599Arg)

Gene: PRDM8 (PR/SET domain 8; plus strand). Cytogenetic location: 4q21.21.
Variant type: single nucleotide variant.
Coding change: c.1795G>A on transcript NM_001099403.2 (MANE Select); coding-DNA position 1795, G replaced by A.
Protein change: p.Gly599Arg; replaces glycine 599 with arginine.
Molecular consequence: missense variant.
Genome position (GRCh38, 1-based): chr4:80,203,257, G>A. VCF-style: chr4-80203257-G-A. GRCh37 (hg19) VCF-style: chr4-81124411-G-A.
Other names: c.1795G>A, p.Gly599Arg (NM_020226.4); short protein forms G599R.
Identifiers: ClinVar variation 1433778 (VCV001433778.8), dbSNP rs1222858653, ClinGen allele CA357402780.